The following is an entry in ClinVar:

NM_198578.4(LRRK2):c.7164C>G (p.Asp2388Glu)

Gene: LRRK2 (leucine rich repeat kinase 2; plus strand). Cytogenetic location: 12q12.
Variant type: single nucleotide variant.
Coding change: c.7164C>G on transcript NM_198578.4 (MANE Select); coding-DNA position 7164, C replaced by G.
Protein change: p.Asp2388Glu; replaces aspartic acid 2388 with glutamic acid.
Molecular consequence: missense variant.
Genome position (GRCh38, 1-based): chr12:40,363,537, C>G. VCF-style: chr12-40363537-C-G. GRCh37 (hg19) VCF-style: chr12-40757339-C-G.
Other names: short protein forms D2388E.
Identifiers: ClinVar variation 1757450 (VCV001757450.2), dbSNP rs2500027792, ClinGen allele CA384413585.

ClinVar aggregate classification (germline): Uncertain significance (1 of 4 stars; one submission).

Conditions:
Inborn genetic diseases. Identifiers: MedGen C0950123, MeSH D030342.

Submission:

Ambry Genetics
Classification: Uncertain significance for Inborn genetic diseases. Last evaluated: 2022-10-08. Review status: criteria provided, single submitter. Criteria: Ambry Variant Classification Scheme 2023. Collection method: clinical testing. Allele origin: germline.
Comment: The p.D2388E variant (also known as c.7164C>G), located in coding exon 48 of the LRRK2 gene, results from a C to G substitution at nucleotide position 7164. The aspartic acid at codon 2388 is replaced by glutamic acid, an amino acid with highly similar properties. This amino acid position is conserved. In addition, the in silico prediction for this alteration is inconclusive. Since supporting evidence is limited at this time, the clinical significance of this alteration remains unclear.